The following is an entry in ClinVar:

NM_031935.3(HMCN1):c.3731C>T (p.Thr1244Ile)

Gene: HMCN1 (hemicentin 1; plus strand). Cytogenetic location: 1q31.1.
Variant type: single nucleotide variant.
Coding change: c.3731C>T on transcript NM_031935.3 (MANE Select); coding-DNA position 3731, C replaced by T.
Protein change: p.Thr1244Ile; replaces threonine 1244 with isoleucine.
Molecular consequence: missense variant.
Genome position (GRCh38, 1-based): chr1:185,995,040, C>T. VCF-style: chr1-185995040-C-T. GRCh37 (hg19) VCF-style: chr1-185964172-C-T.
Other names: c.3731C>T (NM_031935.2); short protein forms T1244I.
Identifiers: ClinVar variation 1488313 (VCV001488313.7), dbSNP rs764649227, ClinGen allele CA1291796.

ClinVar aggregate classification (germline): Uncertain significance. Review status: criteria provided, multiple submitters, no conflicts (2 of 4 stars). 2 submissions from 2 submitters: Uncertain significance (2). Last evaluated 2025-04-12.

Allele frequency attached by ClinVar (database versions not stated): ExAC 0.00001; gnomAD exomes 0.00001 and 0.00008; gnomAD 0.00002; TOPMed 0.00003.
gnomAD v4.1: 118 of 1,613,450 alleles (0.0073%); highest among the groups gnomAD compares: Non-Finnish European, 0.0096%; no homozygotes.

Submissions (2):

Ambry Genetics
Classification: Uncertain significance. Last evaluated: 2025-04-12. Review status: criteria provided, single submitter. Criteria: Ambry Variant Classification Scheme 2023. Collection method: clinical testing. Allele origin: germline.

Labcorp Genetics (formerly Invitae), Labcorp
Classification: Uncertain significance. Last evaluated: 2023-02-14. Review status: criteria provided, single submitter. Criteria: Invitae Variant Classification Sherloc (09022015). Collection method: clinical testing. Allele origin: germline.
Comment: In summary, the available evidence is currently insufficient to determine the role of this variant in disease. Therefore, it has been classified as a Variant of Uncertain Significance. Algorithms developed to predict the effect of missense changes on protein structure and function are either unavailable or do not agree on the potential impact of this missense change (SIFT: "Deleterious"; PolyPhen-2: "Benign"; Align-GVGD: "Class C0"). ClinVar contains an entry for this variant (Variation ID: 1488313). This variant has not been reported in the literature in individuals affected with HMCN1-related conditions. This variant is present in population databases (rs764649227, gnomAD 0.004%). This sequence change replaces threonine, which is neutral and polar, with isoleucine, which is neutral and non-polar, at codon 1244 of the HMCN1 protein (p.Thr1244Ile).